The following is an entry in ClinVar:

ClinVar aggregate classification (germline): Likely benign. Review status: criteria provided, single submitter (1 of 4 stars). 2 submissions from 2 submitters: Likely benign (1). 1 of the submissions does not count toward it. Last evaluated 2025-02-12.

Conditions:
ITPA-related disorder. Also called: ITPA-related condition.
Inosine triphosphatase deficiency. Also called: INOSINE TRIPHOSPHATE PYROPHOSPHOHYDROLASE DEFICIENCY. Identifiers: MedGen C0342800, MONDO:0013461, OMIM 613850.

Allele frequency attached by ClinVar (database versions not stated): gnomAD 0.00001; gnomAD exomes 0.00001; ExAC 0.00003; 1000 Genomes Project 30x 0.00016.
gnomAD v4.1: 22 of 1,612,564 alleles (0.0014%); highest among the groups gnomAD compares: East Asian, 0.022%; no homozygotes.

Submissions (2):

Labcorp Genetics (formerly Invitae), Labcorp
Classification: Likely benign for Inosine triphosphatase deficiency. Last evaluated: 2025-02-12. Review status: criteria provided, single submitter. Criteria: Invitae Variant Classification Sherloc (09022015). Collection method: clinical testing. Allele origin: germline.

PreventionGenetics, part of Exact Sciences
Classification: Likely benign for ITPA-related condition. Last evaluated: 2019-02-19. Review status: no assertion criteria provided. Collection method: clinical testing. Allele origin: germline. Not counted in ClinVar's aggregate classification.
Comment: This variant is classified as likely benign based on ACMG/AMP sequence variant interpretation guidelines (Richards et al. 2015 PMID: 25741868, with internal and published modifications).

NM_033453.4(ITPA):c.492C>T (p.Tyr164=)

Gene: ITPA (inosine triphosphatase; plus strand). Cytogenetic location: 20p13.
Variant type: single nucleotide variant.
Coding change: c.492C>T on transcript NM_033453.4 (MANE Select); coding-DNA position 492, C replaced by T.
Protein change: p.Tyr164=; no amino-acid change (tyrosine 164 retained).
Molecular consequence: synonymous variant. On other transcripts: missense variant (4), non-coding transcript variant (2), intron variant (1).
Genome position (GRCh38, 1-based): chr20:3,223,369, C>T. VCF-style: chr20-3223369-C-T. GRCh37 (hg19) VCF-style: chr20-3204015-C-T.
Other names: c.155C>T (NM_001324238.1); c.369C>T, p.Tyr123= (NM_001267623.2); c.155C>T, p.Thr52Met (NM_001324236.2, NM_001324237.2, NM_001324238.2 and 1 more transcripts); c.441C>T, p.Tyr147= (NM_181493.4); c.412-3314C>T (NM_001324240.2); short protein forms T52M.
Identifiers: ClinVar variation 1158894 (VCV001158894.11), dbSNP rs751753003, ClinGen allele CA9741350.